The following is an entry in ClinVar:

NM_001080467.3(MYO5B):c.1168A>C (p.Lys390Gln)

Gene: MYO5B (myosin VB; minus strand). Cytogenetic location: 18q21.1.
Variant type: single nucleotide variant.
Coding change: c.1168A>C on transcript NM_001080467.3 (MANE Select); coding-DNA position 1168, A replaced by C.
Protein change: p.Lys390Gln; replaces lysine 390 with glutamine.
Molecular consequence: missense variant.
Genome position (GRCh38, 1-based): chr18:49,974,504, T>G on the plus strand (A>C on the coding strand, the complement: MYO5B is on the minus strand). VCF-style: chr18-49974504-T-G. GRCh37 (hg19) VCF-style: chr18-47500874-T-G.
Other names: short protein forms K390Q.
Identifiers: ClinVar variation 4984463 (VCV004984463.1).

ClinVar aggregate classification (germline): Uncertain significance (1 of 4 stars; one submission).

Conditions:
MYO5B-related disorder. Also called: MYO5B-related condition.

gnomAD v4.1: 5 of 1,614,034 alleles (0.00031%); highest among the groups gnomAD compares: African/African-American, 0.0067%; no homozygotes.

Submission:

PreventionGenetics, part of Exact Sciences
Classification: Uncertain significance for MYO5B-related condition. Last evaluated: 2024-10-23. Review status: criteria provided, single submitter. Criteria: ACMG Guidelines, 2015. Collection method: clinical testing. Allele origin: germline.
Comment: The MYO5B c.1168A>C variant is predicted to result in the amino acid substitution p.Lys390Gln. To our knowledge, this variant has not been reported in the literature. This variant is reported in 0.0082% of alleles in individuals of African descent in gnomAD. At this time, the clinical significance of this variant is uncertain due to the absence of conclusive functional and genetic evidence.